The following is an entry in ClinVar:

ClinVar aggregate classification (germline): Likely benign. Review status: criteria provided, multiple submitters, no conflicts (2 of 4 stars). 3 submissions from 3 submitters: Likely benign (2). 1 of the submissions does not count toward it. Last evaluated 2024-09-18.

Conditions:
FREM2-related disorder. Also called: FREM2-related condition.

Allele frequency attached by ClinVar (database versions not stated): gnomAD exomes 0.00002; ExAC 0.00003; TOPMed 0.00005; gnomAD 0.00006.
gnomAD v4.1: 52 of 1,613,888 alleles (0.0032%); highest among the groups gnomAD compares: East Asian, 0.011%; no homozygotes.

Submissions (3):

Blueprint Genetics
Classification: Likely benign. Last evaluated: 2024-09-18. Review status: criteria provided, single submitter. Criteria: ACMG Guidelines, 2015. Collection method: clinical testing. Allele origin: germline.

Labcorp Genetics (formerly Invitae), Labcorp
Classification: Likely benign. Last evaluated: 2024-06-03. Review status: criteria provided, single submitter. Criteria: Invitae Variant Classification Sherloc (09022015). Collection method: clinical testing. Allele origin: germline.

PreventionGenetics, part of Exact Sciences
Classification: Likely benign for FREM2-related condition. Last evaluated: 2021-03-02. Review status: no assertion criteria provided. Collection method: clinical testing. Allele origin: germline. Not counted in ClinVar's aggregate classification.
Comment: This variant is classified as likely benign based on ACMG/AMP sequence variant interpretation guidelines (Richards et al. 2015 PMID: 25741868, with internal and published modifications).

NM_207361.6(FREM2):c.7440C>T (p.Cys2480=)

Gene: FREM2 (FRAS1 related extracellular matrix 2; plus strand). Cytogenetic location: 13q13.3.
Variant type: single nucleotide variant.
Coding change: c.7440C>T on transcript NM_207361.6 (MANE Select); coding-DNA position 7440, C replaced by T.
Protein change: p.Cys2480=; no amino-acid change (cysteine 2480 retained).
Molecular consequence: synonymous variant.
Genome position (GRCh38, 1-based): chr13:38,859,511, C>T. VCF-style: chr13-38859511-C-T. GRCh37 (hg19) VCF-style: chr13-39433648-C-T.
Other names: c.7440C>T (NM_207361.5).
Identifiers: ClinVar variation 2860997 (VCV002860997.6), dbSNP rs768755104, ClinGen allele CA6955860.